The following is an entry in ClinVar:

ClinVar aggregate classification (germline): Uncertain significance (1 of 4 stars; one submission).

Conditions:
Familial cancer of breast. Also called: Hereditary breast cancer; BREAST CANCER, FAMILIAL; hereditary breast carcinoma. Identifiers: Orphanet 227535, MedGen C0346153, MONDO:0016419, OMIM 114480. Disease mechanism: loss of function.

Submission:

Labcorp Genetics (formerly Invitae), Labcorp
Classification: Uncertain significance for Familial cancer of breast. Last evaluated: 2023-04-19. Review status: criteria provided, single submitter. Criteria: Invitae Variant Classification Sherloc (09022015). Collection method: clinical testing. Allele origin: germline.
Comment: In summary, the available evidence is currently insufficient to determine the role of this variant in disease. Therefore, it has been classified as a Variant of Uncertain Significance. Advanced modeling of protein sequence and biophysical properties (such as structural, functional, and spatial information, amino acid conservation, physicochemical variation, residue mobility, and thermodynamic stability) has been performed at Invitae for this missense variant, however the output from this modeling did not meet the statistical confidence thresholds required to predict the impact of this variant on PALB2 protein function. This variant has not been reported in the literature in individuals affected with PALB2-related conditions. This variant is not present in population databases (gnomAD no frequency). This sequence change replaces glutamic acid, which is acidic and polar, with alanine, which is neutral and non-polar, at codon 884 of the PALB2 protein (p.Glu884Ala).

NM_024675.4(PALB2):c.2651A>C (p.Glu884Ala)

Gene: PALB2 (partner and localizer of BRCA2; minus strand). Cytogenetic location: 16p12.2.
Variant type: single nucleotide variant.
Coding change: c.2651A>C on transcript NM_024675.4 (MANE Select); coding-DNA position 2651, A replaced by C.
Protein change: p.Glu884Ala; replaces glutamic acid 884 with alanine.
Molecular consequence: missense variant. On other transcripts: intron variant (3).
Genome position (GRCh38, 1-based): chr16:23,626,333, T>G on the plus strand (A>C on the coding strand, the complement: PALB2 is on the minus strand). VCF-style: chr16-23626333-T-G. GRCh37 (hg19) VCF-style: chr16-23637654-T-G.
Other names: c.2591A>C, p.Glu864Ala (NM_001407296.1); c.2579A>C, p.Glu860Ala (NM_001407297.1); c.2651A>C, p.Glu884Ala (NM_001407299.1, NM_001407300.1, NM_001407301.1); c.1766A>C, p.Glu589Ala (NM_001407304.1, NM_001407305.1, NM_001407306.1 and 4 more transcripts); c.863A>C, p.Glu288Ala (NM_001407312.1, NM_001407313.1); c.185A>C, p.Glu62Ala (NM_001407314.1); c.2587-2239A>C (NM_001407302.1, NM_001407298.1); c.1702-2239A>C (NM_001407307.1); short protein forms E288A, E62A, E860A, E884A, E589A, E864A.
Identifiers: ClinVar variation 2857497 (VCV002857497.3), dbSNP rs2142355108, ClinGen allele CA395122123.